The following is an entry in ClinVar:

ClinVar aggregate classification (germline): Uncertain significance (1 of 4 stars; one submission).

Conditions:
Joubert syndrome 20 (JBTS20). Identifiers: Orphanet 475, MedGen C3554235, MONDO:0013994, OMIM 614970.

Allele frequency attached by ClinVar (database versions not stated): TOPMed below 0.00001.

Submission:

Baylor Genetics
Classification: Uncertain significance for Joubert syndrome 20. Last evaluated: 2018-09-20. Review status: criteria provided, single submitter. Criteria: ACMG Guidelines, 2015. Collection method: clinical testing. Allele origin: maternal. Affected: yes.
Comment: This variant was determined to be of uncertain significance according to ACMG Guidelines, 2015 [PMID:25741868].

NM_001077418.3(TMEM231):c.377T>C (p.Leu126Pro)

Gene: TMEM231 (transmembrane protein 231; minus strand). Cytogenetic location: 16q23.1.
Variant type: single nucleotide variant.
Coding change: c.377T>C on transcript NM_001077418.3 (MANE Select); coding-DNA position 377, T replaced by C.
Protein change: p.Leu126Pro; replaces leucine 126 with proline.
Molecular consequence: missense variant. On other transcripts: non-coding transcript variant (1).
Genome position (GRCh38, 1-based): chr16:75,545,887, A>G on the plus strand (T>C on the coding strand, the complement: TMEM231 is on the minus strand). VCF-style: chr16-75545887-A-G. GRCh37 (hg19) VCF-style: chr16-75579785-A-G.
Other names: c.536T>C, p.Leu179Pro (NM_001077416.2); short protein forms L126P, L179P.
Identifiers: ClinVar variation 1033247 (VCV001033247.1), dbSNP rs1348700844, ClinGen allele CA396807038.